The following is an entry in ClinVar:

NM_025074.7(FRAS1):c.7652A>G (p.Gln2551Arg)

Gene: FRAS1 (Fraser extracellular matrix complex subunit 1; plus strand). Cytogenetic location: 4q21.21.
Variant type: single nucleotide variant.
Coding change: c.7652A>G on transcript NM_025074.7 (MANE Select); coding-DNA position 7652, A replaced by G.
Protein change: p.Gln2551Arg; replaces glutamine 2551 with arginine.
Molecular consequence: missense variant.
Genome position (GRCh38, 1-based): chr4:78,473,567, A>G. VCF-style: chr4-78473567-A-G. GRCh37 (hg19) VCF-style: chr4-79394721-A-G.
Other names: short protein forms Q2551R.
Identifiers: ClinVar variation 349757 (VCV000349757.18), dbSNP rs183712679, ClinGen allele CA2978167.

ClinVar aggregate classification (germline): Benign/Likely benign. Review status: criteria provided, multiple submitters, no conflicts (2 of 4 stars). 5 submissions from 5 submitters: Benign (3); Likely benign (1). 1 of the submissions does not count toward it. Last evaluated 2026-02-04.

Conditions:
FRAS1-related disorder. Also called: FRAS1-related condition.
Fraser syndrome 1 (FRASRS1). Also called: CRYPTOPHTHALMOS WITH OTHER MALFORMATIONS. Identifiers: Orphanet 2052, MedGen C4551480, MONDO:0054737, OMIM 219000.

Allele frequency attached by ClinVar (database versions not stated): ESP Exome Variant Server 0.00024; gnomAD exomes 0.00108 and 0.00497; gnomAD 0.00169 and 0.00171; 1000 Genomes Project 0.00319; TOPMed 0.00340; ExAC 0.00360; 1000 Genomes Project 30x 0.00375.
gnomAD v4.1: 1,820 of 1,609,782 alleles (0.11%); highest among the groups gnomAD compares: Admixed American, 2.9%; 34 homozygotes.

Submissions (5):

Labcorp Genetics (formerly Invitae), Labcorp
Classification: Benign. Last evaluated: 2026-02-04. Review status: criteria provided, single submitter. Criteria: Invitae Variant Classification Sherloc (09022015). Collection method: clinical testing. Allele origin: germline.

Fulgent Genetics
Classification: Likely benign for Fraser syndrome 1. Last evaluated: 2021-07-06. Review status: criteria provided, single submitter. Criteria: ACMG Guidelines, 2015. Collection method: clinical testing. Allele origin: unknown.

Illumina Laboratory Services, Illumina
Classification: Benign for Fraser syndrome 1. Last evaluated: 2018-01-13. Review status: criteria provided, single submitter. Criteria: ICSL Variant Classification Criteria 13 December 2019. Collection method: clinical testing. Allele origin: germline.
Comment: This variant was observed in the ICSL laboratory as part of a predisposition screen in an ostensibly healthy population. It had not been previously curated by ICSL or reported in the Human Gene Mutation Database (HGMD: prior to June 1st, 2018), and was therefore a candidate for classification through an automated scoring system. Utilizing variant allele frequency, disease prevalence and penetrance estimates, and inheritance mode, an automated score was calculated to assess if this variant is too frequent to cause the disease. Based on the score and internal cut-off values, a variant classified as benign is not then subjected to further curation. The score for this variant resulted in a classification of benign for this disease.

Breakthrough Genomics
Classification: Benign. Review status: criteria provided, single submitter. Criteria: ACMG Guidelines, 2015. Collection method: not provided. Allele origin: germline. Inheritance: Autosomal recessive inheritance. Affected: yes.

PreventionGenetics, part of Exact Sciences
Classification: Benign for FRAS1-related condition. Last evaluated: 2019-02-28. Review status: no assertion criteria provided. Collection method: clinical testing. Allele origin: germline. Not counted in ClinVar's aggregate classification.
Comment: This variant is classified as benign based on ACMG/AMP sequence variant interpretation guidelines (Richards et al. 2015 PMID: 25741868, with internal and published modifications).